The following is an entry in ClinVar:

ClinVar aggregate classification (germline): Uncertain significance (1 of 4 stars; one submission).

Submission:

GeneDx
Classification: Uncertain significance. Last evaluated: 2023-11-27. Review status: criteria provided, single submitter. Criteria: GeneDx Variant Classification Process June 2021. Collection method: clinical testing. Allele origin: germline. Affected: yes.
Comment: Not observed at significant frequency in large population cohorts (gnomAD); Canonical splice site variant in a gene or region of a gene for which loss of function is not a well-established mechanism of disease; Has not been previously published as pathogenic or benign to our knowledge

NM_005445.4(SMC3):c.350+1G>A

Gene: SMC3 (structural maintenance of chromosomes 3; plus strand). Cytogenetic location: 10q25.2.
Variant type: single nucleotide variant.
Coding change: c.350+1G>A on transcript NM_005445.4 (MANE Select); the canonical splice donor site of the intron after coding-DNA position 350, G replaced by A.
Molecular consequence: splice donor variant.
Genome position (GRCh38, 1-based): chr10:110,577,915, G>A. VCF-style: chr10-110577915-G-A. GRCh37 (hg19) VCF-style: chr10-112337673-G-A.
Identifiers: ClinVar variation 3364813 (VCV003364813.1).